The following is an entry in ClinVar:

NM_001042432.2(CLN3):c.379del (p.Arg127fs)

Gene: CLN3 (CLN3 lysosomal/endosomal transmembrane protein, battenin; minus strand). Cytogenetic location: 16p12.1.
Variant type: Deletion.
Coding change: c.379del on transcript NM_001042432.2 (MANE Select); coding-DNA position 379, one base deleted (C; older notation c.379delC).
Protein change: p.Arg127fs; shifts the reading frame from arginine 127.
Molecular consequence: frameshift variant.
Genome position (GRCh38, 1-based): chr16:28,487,537, G deleted on the plus strand (C on the coding strand, the reverse complement: CLN3 is on the minus strand); the first of 5 consecutive G bases (chr16:28,487,537-28,487,541); deleting any one gives the same sequence. VCF-style (leftmost placement, unchanged base first): chr16-28487536-CG-C. GRCh37 (hg19) VCF-style: chr16-28498857-CG-C.
Other names: c.379delC (NM_001042432.1, NM_000086.2); c.379del, p.Arg127fs (NM_000086.2); c.307del, p.Arg103fs (NM_001286104.2); c.79del, p.Arg27fs (NM_001286105.2); c.145del, p.Arg49fs (NM_001286109.2); c.217del, p.Arg73fs (NM_001286110.2); short protein forms R127fs, R73fs, R49fs, R103fs, R27fs.
Identifiers: ClinVar variation 56267 (VCV000056267.11), dbSNP rs386833717, ClinGen allele CA263667.
Genomic context (GRCh38, chr16:28,487,536, plus strand): 5'-GAATGAGAAAAGGCAACCAGGACGAAGCTTCCAGCAGCACAAATCCCACTGACGAGAACC[CG>C]GGGGCTGAGGGGGTGAGAAGGGAAGGGAGGGGGAAGGTCGGTCTCTACTCTCAGCATCTC-3'

ClinVar aggregate classification (germline): Pathogenic. Review status: criteria provided, multiple submitters, no conflicts (2 of 4 stars). 4 submissions from 4 submitters: Pathogenic (2). 2 of the submissions do not count toward it. Last evaluated 2024-09-10.

Conditions:
Juvenile neuronal ceroid lipofuscinosis. Also called: Batten Disease. Identifiers: Orphanet 79264, MedGen CN293564, MONDO:0019262.
Neuronal ceroid lipofuscinosis. Also called: Neuronal Ceroid Lipofuscinoses. Identifiers: Orphanet 216, Orphanet 79263, MedGen C0027877, MONDO:0016295. Disease mechanism: loss of function.
Retinitis pigmentosa (RP). Identifiers: Orphanet 791, MedGen C0035334, MeSH D012174, MONDO:0019200, OMIM 268000. Inheritance: Autosomal dominant, autosomal recessive and X linked inheritance.
Neuronal ceroid lipofuscinosis 3 (CLN3). Identifiers: Orphanet 228346, MedGen C0751383, MONDO:0008767, OMIM 204200.

Submissions (4):

Natera, Inc.
Classification: Pathogenic for Batten Disease. Last evaluated: 2024-09-10. Review status: criteria provided, single submitter. Criteria: Natera Variant Classification Schema (03/2026). Collection method: clinical testing. Allele origin: germline.
Comment: The c.379delC variant in CLN3 is a frameshift variant predicted to shift the reading frame beginning at codon 127 and leads to a stop codon 54 codons downstream. This variant is expected to result in nonsense mediated decay, truncation, or a dysfunctional protein product. This variant is rare in the general population with a frequency below the threshold expected for the associated phenotype(s). This variant has been observed in one or more individuals affected with the associated recessive disease, as either homozygous or compound heterozygous with a second variant (PMID: 32685355). Given the available evidence, this variant is classified as Pathogenic.

Labcorp Genetics (formerly Invitae), Labcorp
Classification: Pathogenic for Neuronal ceroid lipofuscinosis. Last evaluated: 2022-09-06. Review status: criteria provided, single submitter. Criteria: Invitae Variant Classification Sherloc (09022015). Collection method: clinical testing. Allele origin: germline.
Comment: For these reasons, this variant has been classified as Pathogenic. ClinVar contains an entry for this variant (Variation ID: 56267). This premature translational stop signal has been observed in individual(s) with neuronal ceroid lipofuscinosis (PMID: 21990111). This variant is present in population databases (rs386833718, gnomAD 0.006%). This sequence change creates a premature translational stop signal (p.Arg127Glyfs*54) in the CLN3 gene. It is expected to result in an absent or disrupted protein product. Loss-of-function variants in CLN3 are known to be pathogenic (PMID: 9311735, 28542676).

Joint Genome Diagnostic Labs from Nijmegen and Maastricht, Radboudumc and MUMC+
Classification: Pathogenic for Retinitis pigmentosa. Last evaluated: 2016-09-01. Review status: no assertion criteria provided. Collection method: clinical testing. Allele origin: unknown. Affected: yes. Observed: 1 variant allele. Not counted in ClinVar's aggregate classification.

Juha Muilu Group; Institute for Molecular Medicine Finland (FIMM)
Classification: Likely pathogenic for Juvenile neuronal ceroid lipofuscinosis. Review status: no assertion criteria provided. Collection method: not provided. Allele origin: unknown. Not counted in ClinVar's aggregate classification.
Comment: FinDis database variant: This variant was not found or characterized by our laboratory, data were collected from public sources: see reference
ClinVar note: Converted during submission from probable-pathogenic to Likely pathogenic.

Literature cited by the submitters: PubMed 32685355 (cited by Natera, Inc.); PubMed 21990111 (cited by Labcorp Genetics (formerly Invitae), Labcorp); PubMed 9311735 (cited by Labcorp Genetics (formerly Invitae), Labcorp); PubMed 28542676 (cited by Labcorp Genetics (formerly Invitae), Labcorp).